The following is an entry in ClinVar:

ClinVar aggregate classification (germline): Pathogenic/Likely pathogenic. Review status: criteria provided, multiple submitters, no conflicts (2 of 4 stars). 2 submissions from 2 submitters: Pathogenic (1); Likely pathogenic (1). Last evaluated 2023-11-30.

Conditions:
CHRNG-related disorder. Also called: CHRNG-related condition; CHRNG-related disorders.

Allele frequency attached by ClinVar (database versions not stated): TOPMed below 0.00001; gnomAD exomes 0.00001; ExAC 0.00002; gnomAD 0.00002.
gnomAD v4.1: 13 of 1,609,474 alleles (0.00081%); highest among the groups gnomAD compares: East Asian, 0.011%; no homozygotes.

Submissions (2):

Blueprint Genetics
Classification: Likely pathogenic for CHRNG-related disorders. Last evaluated: 2023-11-30. Review status: criteria provided, single submitter. Criteria: ACMG Guidelines, 2015. Collection method: clinical testing. Allele origin: germline. Affected: yes. Observed: 2 variant alleles.

Labcorp Genetics (formerly Invitae), Labcorp
Classification: Pathogenic. Last evaluated: 2023-11-17. Review status: criteria provided, single submitter. Criteria: Invitae Variant Classification Sherloc (09022015). Collection method: clinical testing. Allele origin: germline.
Comment: This sequence change creates a premature translational stop signal (p.Arg341*) in the CHRNG gene. It is expected to result in an absent or disrupted protein product. Loss-of-function variants in CHRNG are known to be pathogenic (PMID: 16826520). This variant is present in population databases (rs752487562, gnomAD 0.02%). This variant has not been reported in the literature in individuals affected with CHRNG-related conditions. Algorithms developed to predict the effect of sequence changes on RNA splicing suggest that this variant may disrupt the consensus splice site. For these reasons, this variant has been classified as Pathogenic.

Literature cited by the submitters: PubMed 16826520 (cited by Labcorp Genetics (formerly Invitae), Labcorp).

NM_005199.5(CHRNG):c.1021C>T (p.Arg341Ter)

Gene: CHRNG (cholinergic receptor nicotinic gamma subunit; plus strand). Cytogenetic location: 2q37.1.
Variant type: single nucleotide variant.
Coding change: c.1021C>T on transcript NM_005199.5 (MANE Select); coding-DNA position 1021, C replaced by T.
Protein change: p.Arg341Ter; replaces arginine 341 with a stop codon.
Molecular consequence: nonsense.
Genome position (GRCh38, 1-based): chr2:232,543,685, C>T. VCF-style: chr2-232543685-C-T. GRCh37 (hg19) VCF-style: chr2-233408395-C-T.
Other names: short protein forms R341*.
Identifiers: ClinVar variation 2962543 (VCV002962543.4), dbSNP rs752487562, ClinGen allele CA2168888.
Genomic context (GRCh38, chr2:232,543,685, plus strand): 5'-GTGAATGCTGTGGTTGTGCTCAATGTCTCCTTGCGGTCTCCACACACACACTCCATGGCC[C>T]GAGGGGTCCGCAAGGCAAGGACCCTCCCTGCCCACTTCAACATCCCGCTGCCCACTCCCC-3'